The following is an entry in ClinVar:

ClinVar aggregate classification (germline): Pathogenic (1 of 4 stars; one submission).

Conditions:
Skraban-Deardorff syndrome. Also called: WDR26-Related Intellectual Disability; INTELLECTUAL DISABILITY WITH SEIZURES, ABNORMAL GAIT, AND DISTINCTIVE FACIAL FEATURES. Identifiers: Orphanet 513456, MedGen C4539927, MONDO:0054636, OMIM 617616.

Submission:

Center for Medical Genetics Ghent, University of Ghent
Classification: Pathogenic for Skraban-Deardorff syndrome. Last evaluated: 2025-03-13. Review status: criteria provided, single submitter. Criteria: ACMG Guidelines, 2015. Collection method: clinical testing. Allele origin: de novo. Affected: yes.
Comment: PM2, PVS1, PS2_PP RNA-sequencing was performed on PBMCs and showed exon 11 skip. This is believed to result in a frameshift.

NM_001379403.1(WDR26):c.1944+5G>A

Gene: WDR26 (WD repeat domain 26; minus strand). Cytogenetic location: 1q42.11.
Variant type: single nucleotide variant.
Coding change: c.1944+5G>A on transcript NM_001379403.1 (MANE Select); 5 bases into the intron after coding-DNA position 1944, G replaced by A.
Molecular consequence: intron variant.
Genome position (GRCh38, 1-based): chr1:224,398,510, C>T on the plus strand (G>A on the coding strand, the complement: WDR26 is on the minus strand). VCF-style: chr1-224398510-C-T. GRCh37 (hg19) VCF-style: chr1-224586212-C-T.
Other names: c.1596+5G>A (NM_001115113.3); c.1644+5G>A (NM_025160.7).
Identifiers: ClinVar variation 3772687 (VCV003772687.1).